The following continues an entry in ClinVar:

NM_016818.3(ABCG1):c.993C>T (p.Gly331=)

Gene: ABCG1. ClinVar aggregate classification (germline): Benign.

Submissions 34 to 56 of 56:

Dr. Peter K. Rogan Lab, Western University
No classification provided (evidence only). Condition: Cervical cancer. Review status: no classification provided. Collection method: in vitro. Allele origin: not applicable. Functional consequence: retained intron. Not counted in ClinVar's aggregate classification.

Dr. Peter K. Rogan Lab, Western University
No classification provided (evidence only). Condition: Cervical cancer. Review status: no classification provided. Collection method: in vitro. Allele origin: not applicable. Functional consequence: skipped exon, retained intron. Not counted in ClinVar's aggregate classification.

Dr. Peter K. Rogan Lab, Western University
No classification provided (evidence only). Condition: Cervical cancer. Review status: no classification provided. Collection method: in vitro. Allele origin: not applicable. Functional consequence: retained intron. Not counted in ClinVar's aggregate classification.

Dr. Peter K. Rogan Lab, Western University
No classification provided (evidence only). Condition: Cervical cancer. Review status: no classification provided. Collection method: in vitro. Allele origin: not applicable. Functional consequence: retained intron. Not counted in ClinVar's aggregate classification.

Dr. Peter K. Rogan Lab, Western University
No classification provided (evidence only). Condition: Cervical cancer. Review status: no classification provided. Collection method: in vitro. Allele origin: not applicable. Functional consequence: retained intron. Not counted in ClinVar's aggregate classification.

Dr. Peter K. Rogan Lab, Western University
No classification provided (evidence only). Condition: Cervical cancer. Review status: no classification provided. Collection method: in vitro. Allele origin: not applicable. Functional consequence: skipped exon, retained intron. Not counted in ClinVar's aggregate classification.

Dr. Peter K. Rogan Lab, Western University
No classification provided (evidence only). Condition: Cervical cancer. Review status: no classification provided. Collection method: in vitro. Allele origin: not applicable. Functional consequence: retained intron. Not counted in ClinVar's aggregate classification.

Dr. Peter K. Rogan Lab, Western University
No classification provided (evidence only). Condition: Sarcoma. Review status: no classification provided. Collection method: in vitro. Allele origin: not applicable. Functional consequence: retained intron. Not counted in ClinVar's aggregate classification.

Dr. Peter K. Rogan Lab, Western University
No classification provided (evidence only). Condition: Sarcoma. Review status: no classification provided. Collection method: in vitro. Allele origin: not applicable. Functional consequence: skipped exon, retained intron. Not counted in ClinVar's aggregate classification.

Dr. Peter K. Rogan Lab, Western University
No classification provided (evidence only). Condition: Hepatocellular carcinoma. Review status: no classification provided. Collection method: in vitro. Allele origin: not applicable. Functional consequence: skipped exon, retained intron. Not counted in ClinVar's aggregate classification.

Dr. Peter K. Rogan Lab, Western University
No classification provided (evidence only). Condition: Nonpapillary renal cell carcinoma. Review status: no classification provided. Collection method: in vitro. Allele origin: not applicable. Functional consequence: skipped exon, retained intron. Not counted in ClinVar's aggregate classification.

Dr. Peter K. Rogan Lab, Western University
No classification provided (evidence only). Condition: Nonpapillary renal cell carcinoma. Review status: no classification provided. Collection method: in vitro. Allele origin: not applicable. Functional consequence: skipped exon. Not counted in ClinVar's aggregate classification.

Dr. Peter K. Rogan Lab, Western University
No classification provided (evidence only). Condition: Nonpapillary renal cell carcinoma. Review status: no classification provided. Collection method: in vitro. Allele origin: not applicable. Functional consequence: skipped exon. Not counted in ClinVar's aggregate classification.

Dr. Peter K. Rogan Lab, Western University
No classification provided (evidence only). Condition: Nonpapillary renal cell carcinoma. Review status: no classification provided. Collection method: in vitro. Allele origin: not applicable. Functional consequence: skipped exon, retained intron. Not counted in ClinVar's aggregate classification.

Dr. Peter K. Rogan Lab, Western University
No classification provided (evidence only). Condition: Adrenocortical carcinoma, hereditary. Review status: no classification provided. Collection method: in vitro. Allele origin: not applicable. Functional consequence: retained intron. Not counted in ClinVar's aggregate classification.

Dr. Peter K. Rogan Lab, Western University
No classification provided (evidence only). Condition: Adrenocortical carcinoma, hereditary. Review status: no classification provided. Collection method: in vitro. Allele origin: not applicable. Functional consequence: skipped exon, retained intron. Not counted in ClinVar's aggregate classification.

Dr. Peter K. Rogan Lab, Western University
No classification provided (evidence only). Condition: Uterine carcinosarcoma. Review status: no classification provided. Collection method: in vitro. Allele origin: not applicable. Functional consequence: skipped exon. Not counted in ClinVar's aggregate classification.

Dr. Peter K. Rogan Lab, Western University
No classification provided (evidence only). Condition: Uveal melanoma. Review status: no classification provided. Collection method: in vitro. Allele origin: not applicable. Functional consequence: skipped exon, retained intron. Not counted in ClinVar's aggregate classification.

Dr. Peter K. Rogan Lab, Western University
No classification provided (evidence only). Condition: Uveal melanoma. Review status: no classification provided. Collection method: in vitro. Allele origin: not applicable. Functional consequence: retained intron. Not counted in ClinVar's aggregate classification.

Dr. Peter K. Rogan Lab, Western University
No classification provided (evidence only). Condition: Malignant tumor of esophagus. Review status: no classification provided. Collection method: in vitro. Allele origin: not applicable. Functional consequence: skipped exon. Not counted in ClinVar's aggregate classification.

Dr. Peter K. Rogan Lab, Western University
No classification provided (evidence only). Condition: Malignant tumor of esophagus. Review status: no classification provided. Collection method: in vitro. Allele origin: not applicable. Functional consequence: retained intron. Not counted in ClinVar's aggregate classification.

Dr. Peter K. Rogan Lab, Western University
No classification provided (evidence only). Condition: Malignant tumor of esophagus. Review status: no classification provided. Collection method: in vitro. Allele origin: not applicable. Functional consequence: retained intron. Not counted in ClinVar's aggregate classification.

Dr. Peter K. Rogan Lab, Western University
No classification provided (evidence only). Condition: Malignant tumor of esophagus. Review status: no classification provided. Collection method: in vitro. Allele origin: not applicable. Functional consequence: skipped exon. Not counted in ClinVar's aggregate classification.